The following is an entry in ClinVar:

ClinVar aggregate classification (germline): Uncertain significance. Review status: criteria provided, multiple submitters, no conflicts (2 of 4 stars). 2 submissions from 2 submitters: Uncertain significance (2). Last evaluated 2023-03-22.

Conditions:
Hereditary cancer-predisposing syndrome. Also called: Hereditary neoplastic syndrome; Tumor predisposition; Neoplastic Syndromes, Hereditary; Hereditary Cancer Syndrome. Identifiers: Orphanet 140162, MedGen C0027672, MeSH D009386, MONDO:0015356.
DICER1-related tumor predisposition. Also called: DICER1 syndrome; DICER1-related pleuropulmonary blastoma cancer predisposition syndrome. Identifiers: Orphanet 284343, MedGen C3839822, MONDO:0100216.

Allele frequency attached by ClinVar (database versions not stated): TOPMed below 0.00001.

Submissions (2):

Ambry Genetics
Classification: Uncertain significance for Hereditary cancer-predisposing syndrome. Last evaluated: 2023-03-22. Review status: criteria provided, single submitter. Criteria: Ambry Variant Classification Scheme 2023. Collection method: clinical testing. Allele origin: germline.
Comment: The p.A1039T variant (also known as c.3115G>A), located in coding exon 19 of the DICER1 gene, results from a G to A substitution at nucleotide position 3115. The alanine at codon 1039 is replaced by threonine, an amino acid with similar properties. This amino acid position is conserved. In addition, this alteration is predicted to be tolerated by in silico analysis. Since supporting evidence is limited at this time, the clinical significance of this alteration remains unclear.

Labcorp Genetics (formerly Invitae), Labcorp
Classification: Uncertain significance for DICER1-related tumor predisposition. Last evaluated: 2022-07-16. Review status: criteria provided, single submitter. Criteria: Invitae Variant Classification Sherloc (09022015). Collection method: clinical testing. Allele origin: germline.
Comment: In summary, the available evidence is currently insufficient to determine the role of this variant in disease. Therefore, it has been classified as a Variant of Uncertain Significance. Algorithms developed to predict the effect of missense changes on protein structure and function are either unavailable or do not agree on the potential impact of this missense change (SIFT: "Tolerated"; PolyPhen-2: "Probably Damaging"; Align-GVGD: "Class C0"). ClinVar contains an entry for this variant (Variation ID: 861898). This variant has not been reported in the literature in individuals affected with DICER1-related conditions. This variant is not present in population databases (gnomAD no frequency). This sequence change replaces alanine, which is neutral and non-polar, with threonine, which is neutral and polar, at codon 1039 of the DICER1 protein (p.Ala1039Thr).

NM_177438.3(DICER1):c.3115G>A (p.Ala1039Thr)

Gene: DICER1 (dicer 1, ribonuclease III; minus strand). Cytogenetic location: 14q32.13.
Variant type: single nucleotide variant.
Coding change: c.3115G>A on transcript NM_177438.3 (MANE Select); coding-DNA position 3115, G replaced by A.
Protein change: p.Ala1039Thr; replaces alanine 1039 with threonine.
Molecular consequence: missense variant.
Genome position (GRCh38, 1-based): chr14:95,105,225, C>T on the plus strand (G>A on the coding strand, the complement: DICER1 is on the minus strand). VCF-style: chr14-95105225-C-T. GRCh37 (hg19) VCF-style: chr14-95571562-C-T.
Other names: c.3115G>A, p.Ala1039Thr (NM_001195573.1, NM_001271282.3, NM_001291628.2 and 1 more transcripts); short protein forms A1039T.
Identifiers: ClinVar variation 861898 (VCV000861898.10), dbSNP rs1891308319, ClinGen allele CA390876893.